The following is an entry in ClinVar:

ClinVar aggregate classification (germline): Likely benign (1 of 4 stars; one submission).

Allele frequency attached by ClinVar (database versions not stated): gnomAD 0.00007.

Submission:

CeGaT Center for Human Genetics Tuebingen
Classification: Likely benign. Last evaluated: 2024-04-01. Review status: criteria provided, single submitter. Criteria: CeGaT Center For Human Genetics Tuebingen Variant Classification Criteria Version 2. Collection method: clinical testing. Allele origin: germline. Affected: yes. Observed: 1 variant allele.
Comment: MUC2: BP4, BP7

NM_002457.5(MUC2):c.4614T>C (p.Thr1538=)

Gene: MUC2 (mucin 2, oligomeric mucus/gel-forming; plus strand). Cytogenetic location: 11p15.5.
Variant type: single nucleotide variant.
Coding change: c.4614T>C on transcript NM_002457.5 (MANE Select); coding-DNA position 4614, T replaced by C.
Protein change: p.Thr1538=; no amino-acid change (threonine 1538 retained).
Molecular consequence: synonymous variant.
Genome position (GRCh38, 1-based): chr11:1,094,857, T>C. VCF-style: chr11-1094857-T-C. GRCh37 (hg19) VCF-style: chr11-1092795-T-C.
Identifiers: ClinVar variation 3234262 (VCV003234262.20), dbSNP rs12786761, ClinGen allele CA671487615.